The following is an entry in ClinVar:

ClinVar aggregate classification (germline): Benign/Likely benign. Review status: criteria provided, multiple submitters, no conflicts (2 of 4 stars). 3 submissions from 3 submitters: Benign (1); Likely benign (2). Last evaluated 2024-07-08.

Conditions:
Familial adenomatous polyposis 1 (FAP1). Also called: FAMILIAL ADENOMATOUS POLYPOSIS 1, ATTENUATED; POLYPOSIS, ADENOMATOUS INTESTINAL. Identifiers: MedGen C2713442, MONDO:0021056, OMIM 175100. Disease mechanism: loss of function.
Hereditary cancer-predisposing syndrome. Also called: Tumor predisposition; Neoplastic Syndromes, Hereditary; Hereditary Cancer Syndrome; Hereditary neoplastic syndrome. Identifiers: Orphanet 140162, MedGen C0027672, MeSH D009386, MONDO:0015356.

Submissions (3):

Ambry Genetics
Classification: Likely benign for Hereditary cancer-predisposing syndrome. Last evaluated: 2024-07-08. Review status: criteria provided, single submitter. Criteria: Ambry Variant Classification Scheme 2023. Collection method: clinical testing. Allele origin: germline.

Myriad Genetics, Inc.
Classification: Benign for Familial adenomatous polyposis 1. Last evaluated: 2024-04-04. Review status: criteria provided, single submitter. Criteria: Myriad Autosomal Dominant, Autosomal Recessive and X-Linked Classification Criteria (2023). Collection method: clinical testing. Allele origin: unknown.
Comment: This variant is considered benign. This variant is a silent/synonymous amino acid change and it is not expected to impact splicing.

Labcorp Genetics (formerly Invitae), Labcorp
Classification: Likely benign for Familial adenomatous polyposis 1. Last evaluated: 2022-06-03. Review status: criteria provided, single submitter. Criteria: Invitae Variant Classification Sherloc (09022015). Collection method: clinical testing. Allele origin: germline.

NM_000038.6(APC):c.6207T>C (p.Gly2069=)

Gene: APC (APC regulator of Wnt signaling pathway; plus strand). Cytogenetic location: 5q22.2.
Variant type: single nucleotide variant.
Coding change: c.6207T>C on transcript NM_000038.6 (MANE Select); coding-DNA position 6207, T replaced by C.
Protein change: p.Gly2069=; no amino-acid change (glycine 2069 retained).
Molecular consequence: synonymous variant.
Genome position (GRCh38, 1-based): chr5:112,841,801, T>C. VCF-style: chr5-112841801-T-C. GRCh37 (hg19) VCF-style: chr5-112177498-T-C.
Other names: c.6207T>C, p.Gly2069= (NM_001127510.3, NM_001354895.2); c.6153T>C, p.Gly2051= (NM_001127511.3); c.6261T>C, p.Gly2087= (NM_001354896.2); c.6237T>C, p.Gly2079= (NM_001354897.2); c.6132T>C, p.Gly2044= (NM_001354898.2); c.6123T>C, p.Gly2041= (NM_001354899.2); c.6084T>C, p.Gly2028= (NM_001354900.2); c.6030T>C, p.Gly2010= (NM_001354901.2); and 5 more.
Identifiers: ClinVar variation 766412 (VCV000766412.14), dbSNP rs1580668745, ClinGen allele CA446209427.